The following is an entry in ClinVar:

NM_001332.4(CTNND2):c.748del (p.Ala250fs)

Gene: CTNND2 (catenin delta 2; minus strand). Cytogenetic location: 5p15.2.
Variant type: Deletion.
Coding change: c.748del on transcript NM_001332.4 (MANE Select); coding-DNA position 748, one base deleted (G; older notation c.748delG).
Protein change: p.Ala250fs; shifts the reading frame from alanine 250.
Molecular consequence: frameshift variant. On other transcripts: intron variant (3).
Genome position (GRCh38, 1-based): chr5:11,385,094, C deleted on the plus strand (G on the coding strand, the reverse complement: CTNND2 is on the minus strand). VCF-style (leftmost placement, unchanged base first): chr5-11385093-GC-G. GRCh37 (hg19) VCF-style: chr5-11385205-GC-G.
Other names: c.475del, p.Ala159fs (NM_001288715.1); c.-123+11937del (NM_001288717.2); c.167-20204del (NM_001364128.2, NM_001288716.1); short protein forms A250fs, A159fs.
Identifiers: ClinVar variation 817476 (VCV000817476.1), dbSNP rs1581078962, ClinGen allele CA915943289.
Genomic context (GRCh38, chr5:11,385,093, plus strand): 5'-GCCAGCGGGGAGCCCCCGCGCGGCGGCGCGGGCAGCGTGGAGCTGGAGTAGTAGAGCGCG[GC>G]GGCGGCGGCGGCGGGCGGCGCGTCGGGCAGGTGGAAGGCGCTGCCCAGGCTGGGCGCGAA-3'

ClinVar aggregate classification (germline): Likely pathogenic (1 of 4 stars; one submission).

Submission:

GeneDx
Classification: Likely pathogenic. Last evaluated: 2019-02-28. Review status: criteria provided, single submitter. Criteria: GeneDx Variant Classification (06012015). Collection method: clinical testing. Allele origin: germline. Affected: yes.
Comment: A variant that is likely pathogenic has been identified in the CTNND2 gene. The c.748delG variant has not been published as a pathogenic variant, nor has it been reported as a benign variant to our knowledge. The c.748delG variant in the CTNND2 gene causes a frameshift starting with codon Alanine 250, changes this amino acid to a Proline residue and creates a premature Stop codon at position 82 of the new reading frame, denoted p.Ala250ProfsX82. This frameshift variant is predicted to cause loss of normal protein function either through protein truncation or nonsense-mediated mRNA decay. The c.748delG variant is not observed in large population cohorts (Lek et al., 2016). Therefore, this variant is likely pathogenic; however, the possibility that it is benign cannot be excluded.